The following is an entry in ClinVar:

ClinVar aggregate classification (germline): Uncertain significance. Review status: criteria provided, multiple submitters, no conflicts (2 of 4 stars). 2 submissions from 2 submitters: Uncertain significance (2). Last evaluated 2025-07-18.

gnomAD v4.1: 88 of 1,612,792 alleles (0.0055%); highest among the groups gnomAD compares: Non-Finnish European, 0.0064%; no homozygotes.

Submissions (2):

GeneDx
Classification: Uncertain significance. Last evaluated: 2025-07-18. Review status: criteria provided, single submitter. Criteria: GeneDx Variant Classification Process June 2021. Collection method: clinical testing. Allele origin: germline. Affected: yes.
Comment: In silico analysis supports that this missense variant has a deleterious effect on protein structure/function; Has not been previously published as pathogenic or benign to our knowledge

Blueprint Genetics
Classification: Uncertain significance. Last evaluated: 2024-11-27. Review status: criteria provided, single submitter. Criteria: ACMG Guidelines, 2015. Collection method: clinical testing. Allele origin: germline.

NM_206965.2(FTCD):c.481G>A (p.Asp161Asn)

Genes: FTCD (formimidoyltransferase cyclodeaminase; minus strand), FTCD-AS1 (FTCD antisense RNA 1; plus strand). Cytogenetic location: 21q22.3.
Variant type: single nucleotide variant.
Coding change: c.481G>A on transcript NM_206965.2 (MANE Select); coding-DNA position 481, G replaced by A.
Protein change: p.Asp161Asn; replaces aspartic acid 161 with asparagine.
Molecular consequence: missense variant. On other transcripts: non-coding transcript variant (1).
Genome position (GRCh38, 1-based): chr21:46,151,713, C>T on the plus strand (G>A on the coding strand, the complement: FTCD is on the minus strand). VCF-style: chr21-46151713-C-T. GRCh37 (hg19) VCF-style: chr21-47571627-C-T.
Other names: c.481G>A, p.Asp161Asn (NM_001320412.2, NM_006657.3); short protein forms D161N.
Identifiers: ClinVar variation 4686389 (VCV004686389.2).